The following is an entry in ClinVar:

NM_007294.4(BRCA1):c.1601A>G (p.Gln534Arg)

Gene: BRCA1 (BRCA1 DNA repair associated; minus strand). Cytogenetic location: 17q21.31.
Variant type: single nucleotide variant.
Coding change: c.1601A>G on transcript NM_007294.4 (MANE Select); coding-DNA position 1601, A replaced by G.
Protein change: p.Gln534Arg; replaces glutamine 534 with arginine.
Molecular consequence: missense variant. On other transcripts: intron variant (137).
Genome position (GRCh38, 1-based): chr17:43,093,930, T>C on the plus strand (A>G on the coding strand, the complement: BRCA1 is on the minus strand). VCF-style: chr17-43093930-T-C. GRCh37 (hg19) VCF-style: chr17-41245947-T-C.
Other names: c.1388A>G, p.Gln463Arg (NM_001407571.1, NM_001407853.1, NM_001407894.1 and 9 more transcripts); c.1601A>G, p.Gln534Arg (NM_001407581.1, NM_001407582.1, NM_001407583.1 and 30 more transcripts); c.1598A>G, p.Gln533Arg (NM_001407587.1, NM_001407590.1, NM_001407591.1 and 22 more transcripts); c.1592A>G, p.Gln531Arg (NM_001407646.1, NM_001407647.1); c.1478A>G, p.Gln493Arg (NM_001407648.1, NM_001407664.1, NM_001407665.1 and 19 more transcripts); c.1475A>G, p.Gln492Arg (NM_001407649.1, NM_001407670.1, NM_001407671.1 and 11 more transcripts); c.1523A>G, p.Gln508Arg (NM_001407653.1, NM_001407654.1, NM_001407655.1 and 4 more transcripts); c.1520A>G, p.Gln507Arg (NM_001407659.1, NM_001407660.1, NM_001407661.1 and 1 more transcripts); and 40 more; short protein forms Q534R, Q487R, Q406R, Q445R, Q492R, Q366R, Q422R, Q446R.
Identifiers: ClinVar variation 54304 (VCV000054304.24), dbSNP rs80357173, ClinGen allele CA001064.

ClinVar aggregate classification (germline): Conflicting classifications of pathogenicity. Review status: criteria provided, conflicting classifications (1 of 4 stars). 8 submissions from 8 submitters: Uncertain significance (3); Likely benign (4). 1 of the submissions does not count toward it. Last evaluated 2025-08-05.

Conditions:
Hereditary cancer-predisposing syndrome. Also called: Tumor predisposition; Neoplastic Syndromes, Hereditary; Hereditary Cancer Syndrome; Hereditary neoplastic syndrome. Identifiers: Orphanet 140162, MedGen C0027672, MeSH D009386, MONDO:0015356.
Hereditary breast ovarian cancer syndrome. Also called: Hereditary breast and ovarian cancer syndrome (HBOC); Hereditary breast and ovarian cancer syndrome; Hereditary breast and ovarian cancer; Hereditary breast and/or ovarian cancer syndrome; Breast and ovarian cancer; BRCA1- and BRCA2-Associated Hereditary Breast and Ovarian Cancer. Identifiers: Orphanet 145, MedGen C0677776, MeSH D061325, MONDO:0003582. Disease mechanism: loss of function.
Breast-ovarian cancer, familial, susceptibility to, 1 (BROVCA1). Also called: OVARIAN CANCER, SUSCEPTIBILITY TO; BRCA1 Hereditary Breast and Ovarian Cancer. Identifiers: Orphanet 145, MedGen C2676676, MONDO:0011450, OMIM 604370. Disease mechanism: loss of function.

Allele frequency attached by ClinVar (database versions not stated): gnomAD exomes below 0.00001.
gnomAD v4.1: 2 of 1,613,948 alleles (0.00012%); highest among the groups gnomAD compares: East Asian, 0.0022%; no homozygotes.

Submissions (8):

Labcorp Genetics (formerly Invitae), Labcorp
Classification: Likely benign for Hereditary breast ovarian cancer syndrome. Last evaluated: 2025-08-05. Review status: criteria provided, single submitter. Criteria: Invitae Variant Classification Sherloc (09022015). Collection method: clinical testing. Allele origin: germline.

Quest Diagnostics Nichols Institute San Juan Capistrano
Classification: Uncertain significance. Last evaluated: 2025-04-07. Review status: criteria provided, single submitter. Criteria: Quest Diagnostics criteria. Collection method: clinical testing. Allele origin: unknown.
Comment: The BRCA1 c.1601A>G (p.Gln534Arg) variant has been reported in the published literature in individuals with breast cancer (PMID: 36881271 (2023), PMID: 27741520 (2016), PMID: 33471991 (2021), see also LOVD), and in reportedly unaffected individuals (PMID: 32467295 (2020), PMID: 33471991 (2021), see also LOVD, PMID: 38153744 (2023)). It was found to co-occur with other variants in an individual with breast cancer (PMID: 38060977 (2023)). This variant is located in a region of the BRCA1 gene that is tolerant to missense sequence changes (PMID: 31911673 (2020)). This variant has not been reported in large, multi-ethnic general populations (Genome Aggregation Database). Analysis of this variant using bioinformatics tools for the prediction of the effect of amino acid changes on protein structure and function yielded predictions that this variant is benign. Based on the available information, we are unable to determine the clinical significance of this variant.

Ambry Genetics
Classification: Uncertain significance for Hereditary cancer-predisposing syndrome. Last evaluated: 2023-12-11. Review status: criteria provided, single submitter. Criteria: Ambry Variant Classification Scheme 2023. Collection method: clinical testing. Allele origin: germline.
Comment: The p.Q534R variant (also known as c.1601A>G), located in coding exon 9 of the BRCA1 gene, results from an A to G substitution at nucleotide position 1601. The glutamine at codon 534 is replaced by arginine, an amino acid with highly similar properties. This alteration has been reported in a Brazilian cohort of patients considered to be at high risk for hereditary breast and ovarian cancer (HBOC) syndrome; This amino acid position is poorly conserved in available vertebrate species. In addition, the in silico prediction for this alteration is inconclusive. Since supporting evidence is limited at this time, the clinical significance of this alteration remains unclear.

All of Us Research Program, National Institutes of Health
Classification: Likely benign for Breast-ovarian cancer, familial, susceptibility to, 1. Last evaluated: 2023-08-15. Review status: criteria provided, single submitter. Criteria: ACMG Guidelines, 2015. Collection method: clinical testing. Allele origin: germline. Inheritance: Autosomal dominant inheritance. Observed: 2 variant alleles, 2 heterozygotes.
Comment: This study involves interpretation of variants in research participants for the purpose of population health screening. Participant phenotype was not available at the time of variant classification. Additional details can be found in publication PMID: 35346344, PMCID: PMC8962531

University of Washington Department of Laboratory Medicine, University of Washington
Classification: Likely benign for Hereditary cancer-predisposing syndrome. Last evaluated: 2023-03-23. Review status: criteria provided, single submitter. Criteria: Dines et al. (Genet Med. 2020). Collection method: curation. Allele origin: germline.
Comment: Missense variant in a coldspot region where missense variants are very unlikely to be pathogenic (PMID:31911673).

BRCA1 coldspot (exon 11 using historical exon numbering). Reclassification based on statistical prior probability

Mendelics
Classification: Uncertain significance for Breast-ovarian cancer, familial, susceptibility to, 1. Last evaluated: 2019-05-28. Review status: criteria provided, single submitter. Criteria: Mendelics Assertion Criteria 2017. Collection method: clinical testing. Allele origin: unknown.

Color Diagnostics, LLC DBA Color Health
Classification: Likely benign for Hereditary cancer-predisposing syndrome. Last evaluated: 2018-02-01. Review status: criteria provided, single submitter. Criteria: ACMG Guidelines, 2015. Collection method: clinical testing. Allele origin: germline.

Breast Cancer Information Core (BIC) (BRCA1)
Classification: Uncertain significance for Breast-ovarian cancer, familial 1. Last evaluated: 2004-02-20. Review status: no assertion criteria provided. Collection method: clinical testing. Allele origin: germline. Affected: yes. Observed: 2 variant alleles. Not counted in ClinVar's aggregate classification.

Literature cited by the submitters: PubMed 31911673 (cited by Quest Diagnostics Nichols Institute San Juan Capistrano); PubMed 27741520 (cited by Quest Diagnostics Nichols Institute San Juan Capistrano and Ambry Genetics); PubMed 32467295 (cited by Quest Diagnostics Nichols Institute San Juan Capistrano); PubMed 33087888 (cited by Quest Diagnostics Nichols Institute San Juan Capistrano); PubMed 36881271 (cited by Quest Diagnostics Nichols Institute San Juan Capistrano); PubMed 33471991 (cited by Quest Diagnostics Nichols Institute San Juan Capistrano); PubMed 38060977 (cited by Quest Diagnostics Nichols Institute San Juan Capistrano); PubMed 38153744 (cited by Quest Diagnostics Nichols Institute San Juan Capistrano); PubMed 31853058 (cited by Quest Diagnostics Nichols Institute San Juan Capistrano).